The following is an entry in ClinVar:

NM_015107.3(PHF8):c.2455del (p.Leu819fs)

Gene: PHF8 (PHD finger protein 8; minus strand). Cytogenetic location: Xp11.22.
Variant type: Deletion.
Coding change: c.2455del on transcript NM_015107.3 (MANE Select); coding-DNA position 2455, one base deleted (C; older notation c.2455delC).
Protein change: p.Leu819fs; shifts the reading frame from leucine 819.
Molecular consequence: frameshift variant.
Genome position (GRCh38, 1-based): chrX:53,962,928, G deleted on the plus strand (C on the coding strand, the reverse complement: PHF8 is on the minus strand). VCF-style (leftmost placement, unchanged base first): chrX-53962927-AG-A. GRCh37 (hg19) VCF-style: chrX-53989360-AG-A.
Other names: c.2563del, p.Leu855fs (NM_001184896.1); c.2152del, p.Leu718fs (NM_001184897.2); c.2404del, p.Leu802fs (NM_001184898.2); c.2563delC (NM_001184896.1); short protein forms L819fs, L718fs, L802fs, L855fs.
Identifiers: ClinVar variation 930732 (VCV000930732.3), dbSNP rs2065126287, ClinGen allele CA1139667560.

ClinVar aggregate classification (germline): Likely pathogenic (1 of 4 stars; one submission).

Conditions:
Intellectual developmental disorder, X-linked, syndromic, Siderius type. Also called: Syndromic X-linked intellectual disability Siderius type. Identifiers: Orphanet 85287, MedGen C1846055, MONDO:0010286, OMIM 300263.

Submission:

Centre for Mendelian Genomics, University Medical Centre Ljubljana
Classification: Likely pathogenic for Intellectual developmental disorder, X-linked, syndromic, Siderius type. Last evaluated: 2020-02-24. Review status: criteria provided, single submitter. Criteria: ACMG Guidelines, 2015. Collection method: clinical testing. Allele origin: unknown. Affected: yes.
Comment: This variant was classified as: Likely pathogenic. The following ACMG criteria were applied in classifying this variant: PVS1,PM2. This variant was detected in hemizygous state.